The following is an entry in ClinVar:

NM_005554.4(KRT6A):c.1414G>A (p.Glu472Lys)

Gene: KRT6A (keratin 6A; minus strand). Cytogenetic location: 12q13.13.
Variant type: single nucleotide variant.
Coding change: c.1414G>A on transcript NM_005554.4 (MANE Select); coding-DNA position 1414, G replaced by A.
Protein change: p.Glu472Lys; replaces glutamic acid 472 with lysine.
Molecular consequence: missense variant.
Genome position (GRCh38, 1-based): chr12:52,488,338, C>T on the plus strand (G>A on the coding strand, the complement: KRT6A is on the minus strand). VCF-style: chr12-52488338-C-T. GRCh37 (hg19) VCF-style: chr12-52882122-C-T.
Other names: short protein forms E472K.
Identifiers: ClinVar variation 14636 (VCV000014636.4), dbSNP rs60554162, ClinGen allele CA124169.

ClinVar aggregate classification (germline): Pathogenic/Likely pathogenic. Review status: criteria provided, multiple submitters, no conflicts (2 of 4 stars). 4 submissions from 4 submitters: Pathogenic (1); Likely pathogenic (1). 2 of the submissions do not count toward it. Last evaluated 2022-01-17.

Conditions:
Pachyonychia congenita 3 (PC3). Also called: PC-K6a; KRT6A-Related Pachyonychia Congenita. Identifiers: Orphanet 2309, MedGen C3714948, MONDO:0014324, OMIM 615726.

Submissions (4):

Fulgent Genetics
Classification: Likely pathogenic for Pachyonychia congenita 3. Last evaluated: 2022-01-17. Review status: criteria provided, single submitter. Criteria: ACMG Guidelines, 2015. Collection method: clinical testing. Allele origin: unknown.

GeneDx
Classification: Pathogenic. Last evaluated: 2017-05-11. Review status: criteria provided, single submitter. Criteria: GeneDx Variant Classification (06012015). Collection method: clinical testing. Allele origin: germline. Affected: yes.
Comment: The E472K pathogenic variant in the KRT6A gene has been previously reported in association with Pachyonychia Congenita (PC) (Terrinoni et al., 2001; Wilson et al., 2014; Harris et al., 2012). It was not observed in approximately 6,500 individuals of European and African American ancestry in the NHLBI Exome Sequencing Project, indicating it is not a common benign variant in these populations. E472K is a non-conservative amino acid substitution, which is likely to impact secondary protein structure as these residues differ in polarity, charge, size and/or other properties. This substitution occurs within a known hotspot region (helix termination motif) that is highly conserved across all species and among all members of the keratin family. Many other pathogenic variants in patients with pachyonychia congenita have been reported at the same residue (E472D) and in nearby residues (L468P/Q, L469R) according to the Human Gene Mutation Database (Stenson et al., 2014). It is well established that keratin gene variants affecting the residues at the ends of the central rod domains of the keratin proteins (helix initiation and termination motifs) interfere with proper keratin intermediate filament assembly and function, resulting in hyperkeratosis (Chamcheu et al., 2011). Therefore, we consider E472K to be pathogenic.

OMIM
Classification: Pathogenic for PACHYONYCHIA CONGENITA 3. Last evaluated: 2001-12-01. Review status: no assertion criteria provided. Collection method: literature only. Allele origin: germline. Not counted in ClinVar's aggregate classification.

Epithelial Biology;  Institute of Medical Biology, Singapore
No classification provided. Review status: no classification provided. Collection method: not provided. Allele origin: not provided. Not counted in ClinVar's aggregate classification.

Literature cited by the submitters: PubMed 11886499 (cited by OMIM).